The following is an entry in ClinVar:

NM_001457.4(FLNB):c.1147+6G>C

Gene: FLNB (filamin B; plus strand). Cytogenetic location: 3p14.3.
Variant type: single nucleotide variant.
Coding change: c.1147+6G>C on transcript NM_001457.4 (MANE Select); 6 bases into the intron after coding-DNA position 1147, G replaced by C.
Molecular consequence: intron variant.
Genome position (GRCh38, 1-based): chr3:58,097,983, G>C. VCF-style: chr3-58097983-G-C. GRCh37 (hg19) VCF-style: chr3-58083710-G-C.
Other names: c.1147+6G>C (NM_001164317.2, NM_001164318.2, NM_001164319.2).
Identifiers: ClinVar variation 3712129 (VCV003712129.2).

ClinVar aggregate classification (germline): Uncertain significance (1 of 4 stars; one submission).

Submission:

Labcorp Genetics (formerly Invitae), Labcorp
Classification: Uncertain significance. Last evaluated: 2024-10-24. Review status: criteria provided, single submitter. Criteria: Invitae Variant Classification Sherloc (09022015). Collection method: clinical testing. Allele origin: germline.
Comment: This sequence change falls in intron 7 of the FLNB gene. It does not directly change the encoded amino acid sequence of the FLNB protein. It affects a nucleotide within the consensus splice site. This variant is present in population databases (no rsID available, gnomAD 0.01%). This variant has not been reported in the literature in individuals affected with FLNB-related conditions. Variants that disrupt the consensus splice site are a relatively common cause of aberrant splicing (PMID: 17576681, 9536098). Algorithms developed to predict the effect of sequence changes on RNA splicing suggest that this variant is not likely to affect RNA splicing. In summary, the available evidence is currently insufficient to determine the role of this variant in disease. Therefore, it has been classified as a Variant of Uncertain Significance.

Literature cited by the submitters: PubMed 17576681; PubMed 9536098.